The following is an entry in ClinVar:

ClinVar aggregate classification (germline): Pathogenic/Likely pathogenic. Review status: criteria provided, multiple submitters, no conflicts (2 of 4 stars). 3 submissions from 3 submitters: Pathogenic (1); Likely pathogenic (2). Last evaluated 2024-08-22.

Conditions:
Joubert syndrome. Also called: Familial aplasia of the vermis; CEREBELLOPARENCHYMAL DISORDER IV; JOUBERT-BOLTSHAUSER SYNDROME. Identifiers: Orphanet 475, MedGen C5979921, MONDO:0018772.
Meckel-Gruber syndrome. Also called: Dysencephalia splachnocystica; DYSENCEPHALIA SPLANCHNOCYSTICA; GRUBER SYNDROME. Identifiers: Orphanet 564, MedGen C0265215, MONDO:0018921.
Nephronophthisis. Also called: Juvenile Nephronophthisis. Identifiers: Orphanet 655, MedGen C0687120, MONDO:0019005, HP:0000090.
Bardet-Biedl syndrome 14 (BBS14). Identifiers: Orphanet 110, MedGen C2673874, MONDO:0014442, OMIM 615991.
Leber congenital amaurosis (LCA). Also called: Leber's amaurosis. Identifiers: Orphanet 65, MedGen C0339527, MeSH D057130, MONDO:0018998.

Submissions (3):

Natera, Inc.
Classification: Likely pathogenic for Leber congenital amaurosis. Last evaluated: 2024-08-22. Review status: criteria provided, single submitter. Criteria: Natera Variant Classification Schema (03/2026). Collection method: clinical testing. Allele origin: germline.
Comment: The c.1668del variant in CEP290 is a frameshift variant predicted to shift the reading frame beginning at codon 557 and leads to a stop codon 16 codons downstream. This variant is expected to result in nonsense mediated decay, truncation, or a dysfunctional protein product. This variant is rare in the general population with a frequency below the threshold expected for the associated phenotype(s). Given the available evidence, this variant is classified as Likely Pathogenic.

Baylor Genetics
Classification: Likely pathogenic for Bardet-Biedl syndrome 14. Last evaluated: 2023-03-15. Review status: criteria provided, single submitter. Criteria: ACMG Guidelines, 2015. Collection method: clinical testing. Allele origin: unknown.

Labcorp Genetics (formerly Invitae), Labcorp
Classification: Pathogenic for Joubert syndrome; Meckel-Gruber syndrome; Nephronophthisis. Last evaluated: 2022-06-26. Review status: criteria provided, single submitter. Criteria: Invitae Variant Classification Sherloc (09022015). Collection method: clinical testing. Allele origin: germline.
Comment: This variant is not present in population databases (gnomAD no frequency). This sequence change creates a premature translational stop signal (p.Arg557Valfs*16) in the CEP290 gene. It is expected to result in an absent or disrupted protein product. Loss-of-function variants in CEP290 are known to be pathogenic (PMID: 16909394, 17345604, 20690115). For these reasons, this variant has been classified as Pathogenic. ClinVar contains an entry for this variant (Variation ID: 1069639). This variant has not been reported in the literature in individuals affected with CEP290-related conditions.

Literature cited by the submitters: PubMed 16909394 (cited by Labcorp Genetics (formerly Invitae), Labcorp); PubMed 17345604 (cited by Labcorp Genetics (formerly Invitae), Labcorp); PubMed 20690115 (cited by Labcorp Genetics (formerly Invitae), Labcorp).

NM_025114.4(CEP290):c.1668del (p.Arg557fs)

Gene: CEP290 (centrosomal protein 290; minus strand). Cytogenetic location: 12q21.32.
Variant type: Deletion.
Coding change: c.1668del on transcript NM_025114.4 (MANE Select); coding-DNA position 1668, one base deleted (T; older notation c.1668delT).
Protein change: p.Arg557fs; shifts the reading frame from arginine 557.
Molecular consequence: frameshift variant.
Genome position (GRCh38, 1-based): chr12:88,118,526, A deleted on the plus strand (T on the coding strand, the reverse complement: CEP290 is on the minus strand); the first of 2 consecutive A bases (chr12:88,118,526-88,118,527); deleting either gives the same sequence. VCF-style (leftmost placement, unchanged base first): chr12-88118525-GA-G. GRCh37 (hg19) VCF-style: chr12-88512302-GA-G.
Other names: c.1668del (NM_025114.3); short protein forms R557fs.
Identifiers: ClinVar variation 1069639 (VCV001069639.9), dbSNP rs2039204524, ClinGen allele CA481051328.